The following is an entry in ClinVar:

ClinVar aggregate classification (germline): Uncertain significance (1 of 4 stars; one submission).

Allele frequency attached by ClinVar (database versions not stated): gnomAD exomes 0.00001.
gnomAD v4.1: 7 of 1,544,914 alleles (0.00045%); highest among the groups gnomAD compares: Non-Finnish European, 0.00061%; no homozygotes.

Submission:

Labcorp Genetics (formerly Invitae), Labcorp
Classification: Uncertain significance. Last evaluated: 2023-08-17. Review status: criteria provided, single submitter. Criteria: Invitae Variant Classification Sherloc (09022015). Collection method: clinical testing. Allele origin: germline.
Comment: In summary, the available evidence is currently insufficient to determine the role of this variant in disease. Therefore, it has been classified as a Variant of Uncertain Significance. An algorithm developed to predict the effect of missense changes on protein structure and function (PolyPhen-2) suggests that this variant is likely to be tolerated. ClinVar contains an entry for this variant (Variation ID: 1498044). This variant has not been reported in the literature in individuals affected with CTDP1-related conditions. This variant is not present in population databases (gnomAD no frequency). This sequence change replaces glycine, which is neutral and non-polar, with arginine, which is basic and polar, at codon 911 of the CTDP1 protein (p.Gly911Arg).

NM_004715.5(CTDP1):c.2731G>C (p.Gly911Arg)

Gene: CTDP1 (CTD phosphatase subunit 1; plus strand). Cytogenetic location: 18q23.
Variant type: single nucleotide variant.
Coding change: c.2731G>C on transcript NM_004715.5 (MANE Select); coding-DNA position 2731, G replaced by C.
Protein change: p.Gly911Arg; replaces glycine 911 with arginine.
Molecular consequence: missense variant. On other transcripts: intron variant (1).
Genome position (GRCh38, 1-based): chr18:79,736,505, G>C. VCF-style: chr18-79736505-G-C. GRCh37 (hg19) VCF-style: chr18-77496505-G-C.
Other names: c.2374G>C, p.Gly792Arg (NM_001202504.1); c.2568G>C, p.Gln856His (NM_048368.4); c.2580+7436G>C (NM_001318511.2); short protein forms G911R, G792R, Q856H.
Identifiers: ClinVar variation 1498044 (VCV001498044.6), dbSNP rs2086670314, ClinGen allele CA402834732.
Genomic context (GRCh38, chr18:79,736,505, plus strand): 5'-CCAGGGACCCGCAGGGAGCGGACGCTCGGGGCACCTGCGTCCAGCGAGAGGAGCGCGGCA[G>C]GGGGCCGGGGGCCCAGGTGAGTGCGGGGTCTGAGGTGGGAGGGGCCTGACACGGGCTCCC-3'
Protein context (NP_004706.3, residues 901-921): APASSERSAA[Gly911Arg]GRGPRGHKRK